The following is an entry in ClinVar:

ClinVar aggregate classification (germline): Uncertain significance (1 of 4 stars; one submission).

Conditions:
Intellectual developmental disorder, autosomal dominant 43. Also called: Intellectual disability, autosomal dominant 43. Identifiers: MedGen C4707429, MONDO:0014858, OMIM 616977.

Submission:

Juno Genomics, Hangzhou Juno Genomics, Inc
Classification: Uncertain significance for Intellectual developmental disorder, autosomal dominant 43. Review status: criteria provided, single submitter. Criteria: ACMG Guidelines, 2015. Collection method: clinical testing. Allele origin: germline. Affected: yes.
Comment: Absent from controls (or at extremely low frequency if recessive) in Genome Aggregation Database, Exome Sequencing Project, 1000 Genomes Project, or Exome Aggregation Consortium.;Missense variant in a gene that has a low rate of benign missense variation and where missense variants are a common mechanism of disease.

NM_006734.4(HIVEP2):c.1698T>G (p.Phe566Leu)

Gene: HIVEP2 (HIVEP zinc finger 2; minus strand). Cytogenetic location: 6q24.2.
Variant type: single nucleotide variant.
Coding change: c.1698T>G on transcript NM_006734.4 (MANE Select); coding-DNA position 1698, T replaced by G.
Protein change: p.Phe566Leu; replaces phenylalanine 566 with leucine.
Molecular consequence: missense variant.
Genome position (GRCh38, 1-based): chr6:142,773,041, A>C on the plus strand (T>G on the coding strand, the complement: HIVEP2 is on the minus strand). VCF-style: chr6-142773041-A-C. GRCh37 (hg19) VCF-style: chr6-143094178-A-C.
Other names: short protein forms F566L.
Identifiers: ClinVar variation 3382442 (VCV003382442.2).